The following is an entry in ClinVar:

ClinVar aggregate classification (germline): Uncertain significance (1 of 4 stars; one submission).

Conditions:
Gorlin syndrome. Also called: Basal cell nevus syndrome; Nevoid Basal Cell Carcinoma Syndrome. Identifiers: Orphanet 377, MedGen C0004779, MONDO:0007187.

gnomAD v4.1: 1 of 1,613,542 alleles (0.000062%); highest among the groups gnomAD compares: African/African-American, 0.0013%; no homozygotes.

Submission:

Labcorp Genetics (formerly Invitae), Labcorp
Classification: Uncertain significance for Gorlin syndrome. Last evaluated: 2021-08-17. Review status: criteria provided, single submitter. Criteria: Invitae Variant Classification Sherloc (09022015). Collection method: clinical testing. Allele origin: germline.
Comment: Variants that disrupt the consensus splice site are a relatively common cause of aberrant splicing (PMID: 17576681, 9536098). Algorithms developed to predict the effect of sequence changes on RNA splicing suggest that this variant may create or strengthen a splice site. In summary, the available evidence is currently insufficient to determine the role of this variant in disease. Therefore, it has been classified as a Variant of Uncertain Significance. This variant has not been reported in the literature in individuals affected with PTCH1-related conditions. This variant is not present in population databases (ExAC no frequency). This sequence change falls in intron 19 of the PTCH1 gene. It does not directly change the encoded amino acid sequence of the PTCH1 protein. It affects a nucleotide within the consensus splice site of the intron.

Literature cited by the submitters: PubMed 17576681; PubMed 9536098.

NM_000264.5(PTCH1):c.3306+6G>T

Gene: PTCH1 (patched 1; minus strand). Cytogenetic location: 9q22.32.
Variant type: single nucleotide variant.
Coding change: c.3306+6G>T on transcript NM_000264.5 (MANE Select); 6 bases into the intron after coding-DNA position 3306, G replaced by T.
Molecular consequence: intron variant.
Genome position (GRCh38, 1-based): chr9:95,456,270, C>A on the plus strand (G>T on the coding strand, the complement: PTCH1 is on the minus strand). VCF-style: chr9-95456270-C-A. GRCh37 (hg19) VCF-style: chr9-98218552-C-A.
Other names: c.3303+6G>T (NM_001083603.3); c.3108+6G>T (NM_001083602.3); c.3150+6G>T (NM_001354918.2); c.2853+6G>T (NM_001083605.3, NM_001083604.3, NM_001083606.3 and 1 more transcripts).
Identifiers: ClinVar variation 1433542 (VCV001433542.6), dbSNP rs777678813, ClinGen allele CA589264931.